The following is an entry in ClinVar:

NM_005618.4(DLL1):c.611G>A (p.Cys204Tyr)

Gene: DLL1 (delta like canonical Notch ligand 1; minus strand). Cytogenetic location: 6q27.
Variant type: single nucleotide variant.
Coding change: c.611G>A on transcript NM_005618.4 (MANE Select); coding-DNA position 611, G replaced by A.
Protein change: p.Cys204Tyr; replaces cysteine 204 with tyrosine.
Molecular consequence: missense variant.
Genome position (GRCh38, 1-based): chr6:170,288,298, C>T on the plus strand (G>A on the coding strand, the complement: DLL1 is on the minus strand). VCF-style: chr6-170288298-C-T. GRCh37 (hg19) VCF-style: chr6-170597386-C-T.
Other names: short protein forms C204Y.
Identifiers: ClinVar variation 3254562 (VCV003254562.1), dbSNP rs2483357984.

ClinVar aggregate classification (germline): Likely pathogenic (1 of 4 stars; one submission).

Conditions:
Neurodevelopmental disorder with nonspecific brain abnormalities and with or without seizures. Identifiers: MedGen C5231470, MONDO:0032877, OMIM 618709.

Submission:

Victorian Clinical Genetics Services, Murdoch Childrens Research Institute
Classification: Likely pathogenic for Neurodevelopmental disorder with nonspecific brain abnormalities and with or without seizures. Last evaluated: 2023-07-17. Review status: criteria provided, single submitter. Criteria: ACMG Guidelines, 2015. Collection method: clinical testing. Allele origin: germline. Inheritance: Autosomal dominant inheritance. Affected: yes.
Comment: Based on the classification scheme VCGS_Germline_v1.3.4, this variant is classified as Likely pathogenic. Following criteria are met: 0102 - Loss of function is a known mechanism of disease in this gene and is associated with neurodevelopmental disorder with nonspecific brain abnormalities and with or without seizures (MIM#618709). (I) 0107 - This gene is associated with autosomal dominant disease. (I) 0200 - Variant is predicted to result in a missense amino acid change from cysteine to tyrosine. (I) 0251 - This variant is heterozygous. (I) 0301 - Variant is absent from gnomAD (both v2 and v3). (SP) 0501 - Missense variant consistently predicted to be damaging by multiple in silico tools or highly conserved with a major amino acid change. (SP) 0600 - Variant is located in the annotated delta serrate ligand (DECIPHER). This variant is also noted to be involved in a disulphide bond (DECIPHER). (I) 0705 - No comparable missense variants have previous evidence for pathogenicity. (I) 0807 - This variant has no previous evidence of pathogenicity. (I) 0905 - No published segregation evidence has been identified for this variant. (I) 1007 - No published functional evidence has been identified for this variant. (SP) Legend: (SP) - Supporting pathogenic, (I) - Information, (SB) - Supporting benign